The following is an entry in ClinVar:

ClinVar aggregate classification (germline): Benign. Review status: criteria provided, multiple submitters, no conflicts (2 of 4 stars). 7 submissions from 7 submitters: Benign (7). Last evaluated 2026-02-04.

Conditions:
Familial infantile myasthenia (CMS6). Also called: MYASTHENIC SYNDROME, CONGENITAL, 6, PRESYNAPTIC; Congenital myasthenic syndrome type 6; MYASTHENIC SYNDROME, PRESYNAPTIC, CONGENITAL, ASSOCIATED WITH EPISODIC APNEA. Identifiers: Orphanet 590, MedGen C0393929, MONDO:0009689, OMIM 254210.

Allele frequency attached by ClinVar (database versions not stated): gnomAD exomes 0.00519; ExAC 0.00620; gnomAD 0.01906 and 0.02036; TOPMed 0.02199; ESP Exome Variant Server 0.02214; 1000 Genomes Project 0.02296; 1000 Genomes Project 30x 0.02436.
gnomAD v4.1: 5,992 of 1,614,172 alleles (0.37%); highest among the groups gnomAD compares: African/African-American, 6.6%; 184 homozygotes.

Submissions (7):

Labcorp Genetics (formerly Invitae), Labcorp
Classification: Benign for Familial infantile myasthenia. Last evaluated: 2026-02-04. Review status: criteria provided, single submitter. Criteria: Invitae Variant Classification Sherloc (09022015). Collection method: clinical testing. Allele origin: germline.

Mayo Clinic Laboratories, Mayo Clinic
Classification: Benign. Last evaluated: 2025-02-04. Review status: criteria provided, single submitter. Criteria: ACMG Guidelines, 2015. Collection method: clinical testing. Allele origin: germline. Observed: 21 variant alleles.
Comment: BA1, BS2, BP4, BP7

Athena Diagnostics
Classification: Benign. Last evaluated: 2017-11-06. Review status: criteria provided, single submitter. Criteria: Athena Diagnostics Criteria. Collection method: clinical testing. Allele origin: germline.

GeneDx
Classification: Benign. Last evaluated: 2016-12-31. Review status: criteria provided, single submitter. Criteria: GeneDx Variant Classification (06012015). Collection method: clinical testing. Allele origin: germline. Affected: yes.
Comment: This variant is considered likely benign or benign based on one or more of the following criteria: it is a conservative change, it occurs at a poorly conserved position in the protein, it is predicted to be benign by multiple in silico algorithms, and/or has population frequency not consistent with disease.

Genetic Services Laboratory, University of Chicago
Classification: Benign for AllHighlyPenetrant. Last evaluated: 2013-08-15. Review status: criteria provided, single submitter. Criteria: ACMG Guidelines, 2007. Collection method: clinical testing. Allele origin: germline. Inheritance: Autosomal recessive inheritance.

Breakthrough Genomics
Classification: Benign. Review status: criteria provided, single submitter. Criteria: ACMG Guidelines, 2015. Collection method: not provided. Allele origin: germline. Inheritance: Autosomal recessive inheritance. Affected: yes.

PreventionGenetics, part of Exact Sciences
Classification: Benign. Review status: criteria provided, single submitter. Criteria: ACMG Guidelines, 2015. Collection method: clinical testing. Allele origin: germline.

NM_020549.5(CHAT):c.1131G>A (p.Ser377=)

Gene: CHAT (choline O-acetyltransferase; plus strand). Cytogenetic location: 10q11.23.
Variant type: single nucleotide variant.
Coding change: c.1131G>A on transcript NM_020549.5 (MANE Select); coding-DNA position 1131, G replaced by A.
Protein change: p.Ser377=; no amino-acid change (serine 377 retained).
Molecular consequence: synonymous variant.
Genome position (GRCh38, 1-based): chr10:49,646,524, G>A. VCF-style: chr10-49646524-G-A. GRCh37 (hg19) VCF-style: chr10-50854570-G-A.
Other names: p.Ser377=; c.777G>A, p.Ser259= (NM_001142929.2, NM_001142934.2, NM_020984.4 and 2 more transcripts); c.885G>A, p.Ser295= (NM_001142933.2).
Identifiers: ClinVar variation 128716 (VCV000128716.20), dbSNP rs115126024, ClinGen allele CA152332.